The following is an entry in ClinVar:

NM_021020.5(LZTS1):c.1177C>A (p.Leu393Ile)

Gene: LZTS1 (leucine zipper tumor suppressor 1; minus strand). Cytogenetic location: 8p21.3.
Variant type: single nucleotide variant.
Coding change: c.1177C>A on transcript NM_021020.5 (MANE Select); coding-DNA position 1177, C replaced by A.
Protein change: p.Leu393Ile; replaces leucine 393 with isoleucine.
Molecular consequence: missense variant.
Genome position (GRCh38, 1-based): chr8:20,250,336, G>T on the plus strand (C>A on the coding strand, the complement: LZTS1 is on the minus strand). VCF-style: chr8-20250336-G-T. GRCh37 (hg19) VCF-style: chr8-20107847-G-T.
Other names: c.1177C>A, p.Leu393Ile (NM_001362884.2); short protein forms L393I.
Identifiers: ClinVar variation 4984478 (VCV004984478.1).

ClinVar aggregate classification (germline): Uncertain significance (1 of 4 stars; one submission).

Conditions:
LZTS1-related disorder. Also called: LZTS1-related condition.

gnomAD v4.1: 9 of 1,608,036 alleles (0.00056%); highest among the groups gnomAD compares: South Asian, 0.0099%; no homozygotes.

Submission:

PreventionGenetics, part of Exact Sciences
Classification: Uncertain significance for LZTS1-related condition. Last evaluated: 2025-06-02. Review status: criteria provided, single submitter. Criteria: ACMG Guidelines, 2015. Collection method: clinical testing. Allele origin: germline.
Comment: The LZTS1 c.1177C>A variant is predicted to result in the amino acid substitution p.Leu393Ile. To our knowledge, this variant has not been reported in the literature. This variant is reported in 0.010% of alleles in individuals of South Asian descent in gnomAD. At this time, the clinical significance of this variant is uncertain due to the absence of conclusive functional and genetic evidence.